The following is an entry in ClinVar:

ClinVar aggregate classification (germline): Uncertain significance. Review status: criteria provided, multiple submitters, no conflicts (2 of 4 stars). 2 submissions from 2 submitters: Uncertain significance (2). Last evaluated 2025-06-30.

Conditions:
Malignant hyperthermia, susceptibility to, 1 (MHS1). Also called: Anesthesia related hyperthermia; Malignant hyperpyrexia; Fulminating hyperpyrexia; Pharmacogenic myopathy; RYR1-Related Malignant Hyperthermia Susceptibility; Malignant hyperthermia suceptibility 1. Identifiers: Orphanet 423, MedGen C2930980, MONDO:0007783, OMIM 145600.

gnomAD v4.1: 8 of 1,613,908 alleles (0.0005%); highest among the groups gnomAD compares: South Asian, 0.0044%; no homozygotes.

Submissions (2):

Color Diagnostics, LLC DBA Color Health
Classification: Uncertain significance for Malignant hyperthermia, susceptibility to, 1. Last evaluated: 2025-06-30. Review status: criteria provided, single submitter. Criteria: ACMG Guidelines, 2015. Collection method: clinical testing. Allele origin: germline.
Comment: This missense variant replaces arginine with glutamine at codon 3499 of the RYR1 protein. Computational prediction is inconclusive regarding the impact of this variant on protein structure and function. To our knowledge, functional studies have not been reported for this variant. This variant has not been reported in individuals affected with RYR1-related disorders in the literature. This variant has been identified in 2/251284 chromosomes in the general population by the Genome Aggregation Database (gnomAD). The available evidence is insufficient to determine the role of this variant in disease conclusively. Therefore, this variant is classified as a Variant of Uncertain Significance.

All of Us Research Program, National Institutes of Health
Classification: Uncertain significance for Malignant hyperthermia, susceptibility to, 1. Last evaluated: 2023-08-28. Review status: criteria provided, single submitter. Criteria: ACMG Guidelines, 2015. Collection method: clinical testing. Allele origin: germline. Inheritance: Autosomal dominant inheritance. Observed: 1 variant allele, 1 heterozygote.
Comment: This missense variant replaces arginine with glutamine at codon 3499 of the RYR1 protein. Computational prediction is inconclusive regarding the impact of this variant on protein structure and function (internally defined REVEL score threshold 0.5 < inconclusive < 0.7, PMID: 27666373). To our knowledge, functional studies have not been reported for this variant. This variant has not been reported in individuals affected with RYR1-related disorders in the literature. This variant has been identified in 2/251284 chromosomes in the general population by the Genome Aggregation Database (gnomAD). The available evidence is insufficient to determine the role of this variant in disease conclusively. Therefore, this variant is classified as a Variant of Uncertain Significance.

This study involves interpretation of variants in research participants for the purpose of population health screening. Participant phenotype was not available at the time of variant classification. Additional details can be found in publication PMID: 35346344, PMCID: PMC8962531

NM_000540.3(RYR1):c.10496G>A (p.Arg3499Gln)

Gene: RYR1 (ryanodine receptor 1; plus strand). Cytogenetic location: 19q13.2.
Variant type: single nucleotide variant.
Coding change: c.10496G>A on transcript NM_000540.3 (MANE Select); coding-DNA position 10496, G replaced by A.
Protein change: p.Arg3499Gln; replaces arginine 3499 with glutamine.
Molecular consequence: missense variant.
Genome position (GRCh38, 1-based): chr19:38,525,372, G>A. VCF-style: chr19-38525372-G-A. GRCh37 (hg19) VCF-style: chr19-39016012-G-A.
Other names: c.10481G>A, p.Arg3494Gln (NM_001042723.2); short protein forms R3494Q, R3499Q.
Identifiers: ClinVar variation 3073263 (VCV003073263.2), dbSNP rs138324438, ClinGen allele CA079912.
Genomic context (GRCh38, chr19:38,525,372, plus strand): 5'-TGAGCCCTGTGTCCCCACAGTCCGGTGGCTCGGACCAGGAACGCACCAAGAAGAAGCGCC[G>A]GGGGGACCGGTACTCTGTGCAGACGTCACTGATCGTGGCCACACTGAAGAAGATGCTGCC-3'
Protein context (NP_000531.2, residues 3489-3509): SDQERTKKKR[Arg3499Gln]GDRYSVQTSL